The following is an entry in ClinVar:

NM_014049.5(ACAD9):c.1752_1753del (p.Gln585fs)

Genes: ACAD9 (acyl-CoA dehydrogenase family member 9; plus strand), CFAP92 (cilia and flagella associated protein 92 (putative); minus strand). Cytogenetic location: 3q21.3.
Variant type: Microsatellite.
Coding change: c.1752_1753del on transcript NM_014049.5 (MANE Select); coding-DNA positions 1752 to 1753, 2 bases deleted (TC; older notation c.1752_1753delTC).
Protein change: p.Gln585fs; shifts the reading frame from glutamine 585.
Molecular consequence: frameshift variant. On other transcripts: non-coding transcript variant (1), intron variant (3).
Genome position (GRCh38, 1-based): chr3:128,910,800-128,910,801, TC deleted; deleting any 2 consecutive bases within chr3:128,910,795-128,910,801 gives the same sequence; the c. name uses the placement nearest the transcript's 3' end. VCF-style (leftmost placement, unchanged base first): chr3-128910794-CCT-C. GRCh37 (hg19) VCF-style: chr3-128629637-CCT-C.
Other names: c.1383_1384del, p.Gln462fs (NM_001410805.1); c.2312-467AG[2] (NM_001348521.2); c.2408-467AG[2] (NM_001348520.2); c.3281-467AG[2] (NM_001394090.1); c.1752_1753delTC (NM_014049.4); short protein forms Q462fs, Q585fs.
Identifiers: ClinVar variation 2679699 (VCV002679699.3), dbSNP rs1559834691, ClinGen allele CA2667562073.

ClinVar aggregate classification (germline): Likely pathogenic. Review status: criteria provided, multiple submitters, no conflicts (2 of 4 stars). 3 submissions from 3 submitters: Likely pathogenic (3). Last evaluated 2025-02-03.

Conditions:
Acyl-CoA dehydrogenase 9 deficiency. Also called: MITOCHONDRIAL COMPLEX I DEFICIENCY, NUCLEAR TYPE 20; Acyl-CoA dehydrogenase family, member 9, deficiency of. Identifiers: Orphanet 99901, MedGen C4747517, MONDO:0012624, OMIM 611126.

Submissions (3):

Natera, Inc.
Classification: Likely pathogenic for ACAD9 deficiency. Last evaluated: 2025-02-03. Review status: criteria provided, single submitter. Criteria: Natera Variant Classification Schema (03/2026). Collection method: clinical testing. Allele origin: germline.
Comment: The c.1752_1753delTC variant in ACAD9 is a frameshift variant predicted to shift the reading frame beginning at codon 585 and leads to a stop codon 11 codons downstream. This variant is expected to result in nonsense mediated decay, truncation, or a dysfunctional protein product. This variant is rare in the general population with a frequency below the threshold expected for the associated phenotype(s). Given the available evidence, this variant is classified as Likely Pathogenic.

Fulgent Genetics
Classification: Likely pathogenic for Acyl-CoA dehydrogenase 9 deficiency. Last evaluated: 2024-06-18. Review status: criteria provided, single submitter. Criteria: ACMG Guidelines, 2015. Collection method: clinical testing. Allele origin: germline.

Baylor Genetics
Classification: Likely pathogenic for Acyl-CoA dehydrogenase 9 deficiency. Last evaluated: 2023-05-21. Review status: criteria provided, single submitter. Criteria: ACMG Guidelines, 2015. Collection method: clinical testing. Allele origin: unknown.